The following is an entry in ClinVar:

NM_000384.3(APOB):c.8806T>G (p.Phe2936Val)

Gene: APOB (apolipoprotein B; minus strand). Cytogenetic location: 2p24.1.
Variant type: single nucleotide variant.
Coding change: c.8806T>G on transcript NM_000384.3 (MANE Select); coding-DNA position 8806, T replaced by G.
Protein change: p.Phe2936Val; replaces phenylalanine 2936 with valine.
Molecular consequence: missense variant.
Genome position (GRCh38, 1-based): chr2:21,008,062, A>C on the plus strand (T>G on the coding strand, the complement: APOB is on the minus strand). VCF-style: chr2-21008062-A-C. GRCh37 (hg19) VCF-style: chr2-21230934-A-C.
Other names: short protein forms F2936V.
Identifiers: ClinVar variation 2580956 (VCV002580956.1), dbSNP rs2465364894, ClinGen allele CA345993325.
Genomic context (GRCh38, chr2:21,008,062, plus strand): 5'-AAGTGAGGGGTCCTTCTATGGTGAAACTAATTTGTGATTCATGTGTTCCCTCATCTGAGA[A>C]TCTGGGGCAGGCCCATTTCCATGACCCTTTTCCAGAAGAAGTCCATGCTATGTGGCCAGC-3'
Protein context (NP_000375.3, residues 2926-2946): KGSWKWACPR[Phe2936Val]SDEGTHESQI

ClinVar aggregate classification (germline): Uncertain significance (1 of 4 stars; one submission).

Conditions:
Hypercholesterolemia, autosomal dominant, type B (FHCL2). Also called: HYPERCHOLESTEROLEMIA, FAMILIAL, DUE TO LIGAND-DEFECTIVE APOLIPOPROTEIN B; APOLIPOPROTEIN B-100, FAMILIAL DEFECTIVE; APOLIPOPROTEIN B-100, FAMILIAL LIGAND-DEFECTIVE; Hyperlipoproteinemia Type IIb; APOB-Related Familial Hypercholesterolemia, Autosomal Dominant; Familial hypercholesterolemia 2. Identifiers: MedGen C1704417, MONDO:0007751, OMIM 144010.

Submission:

Dr. med. U. Finckh, Human Genetics, Eurofins MVZ
Classification: Uncertain significance for Hypercholesterolemia, autosomal dominant, type B. Last evaluated: 2022-09-26. Review status: criteria provided, single submitter. Criteria: ACMG Guidelines, 2015. Collection method: clinical testing. Allele origin: unknown.
Comment: Heterozygous with a second APOB VUS (ClinVar ID 74414), phase unknown.